The following is an entry in ClinVar:

ClinVar aggregate classification (germline): Uncertain significance (1 of 4 stars; one submission).

Submission:

Labcorp Genetics (formerly Invitae), Labcorp
Classification: Uncertain significance. Last evaluated: 2022-09-06. Review status: criteria provided, single submitter. Criteria: Invitae Variant Classification Sherloc (09022015). Collection method: clinical testing. Allele origin: germline.
Comment: This sequence change replaces glutamine, which is neutral and polar, with lysine, which is basic and polar, at codon 107 of the WNT5A protein (p.Gln107Lys). This variant is not present in population databases (gnomAD no frequency). This variant has not been reported in the literature in individuals affected with WNT5A-related conditions. Algorithms developed to predict the effect of missense changes on protein structure and function (SIFT, PolyPhen-2, Align-GVGD) all suggest that this variant is likely to be disruptive. In summary, the available evidence is currently insufficient to determine the role of this variant in disease. Therefore, it has been classified as a Variant of Uncertain Significance.

NM_003392.7(WNT5A):c.319C>A (p.Gln107Lys)

Gene: WNT5A (Wnt family member 5A; minus strand). Cytogenetic location: 3p14.3.
Variant type: single nucleotide variant.
Coding change: c.319C>A on transcript NM_003392.7 (MANE Select); coding-DNA position 319, C replaced by A.
Protein change: p.Gln107Lys; replaces glutamine 107 with lysine.
Molecular consequence: missense variant.
Genome position (GRCh38, 1-based): chr3:55,479,386, G>T on the plus strand (C>A on the coding strand, the complement: WNT5A is on the minus strand). VCF-style: chr3-55479386-G-T. GRCh37 (hg19) VCF-style: chr3-55513414-G-T.
Other names: c.274C>A, p.Gln92Lys (NM_001256105.1, NM_001377271.1, NM_001377272.1); short protein forms Q107K, Q92K.
Identifiers: ClinVar variation 1718671 (VCV001718671.5), dbSNP rs2471315658, ClinGen allele CA353267048.